The following is an entry in ClinVar:

NM_001203.3(BMPR1B):c.497A>G (p.Asp166Gly)

Gene: BMPR1B (bone morphogenetic protein receptor type 1B; plus strand). Cytogenetic location: 4q22.3.
Variant type: single nucleotide variant.
Coding change: c.497A>G on transcript NM_001203.3 (MANE Select); coding-DNA position 497, A replaced by G.
Protein change: p.Asp166Gly; replaces aspartic acid 166 with glycine.
Molecular consequence: missense variant.
Genome position (GRCh38, 1-based): chr4:95,125,033, A>G. VCF-style: chr4-95125033-A-G. GRCh37 (hg19) VCF-style: chr4-96046184-A-G.
Other names: c.497A>G, p.Asp166Gly (NM_001256792.2, NM_001256794.1); c.587A>G, p.Asp196Gly (NM_001256793.2); short protein forms D166G, D196G.
Identifiers: ClinVar variation 1316061 (VCV001316061.10), dbSNP rs781670372, ClinGen allele CA357680203.
Genomic context (GRCh38, chr4:95,125,033, plus strand): 5'-CCATCTTTAGGTATAAAAGACAAGAAACCAGACCTCGATACAGCATTGGGTTAGAACAGG[A>G]TGAAACTTACATTCCTCCTGGAGAATCCCTGAGAGACTTAATTGAGCAGTCTCAGAGCTC-3'
Protein context (NP_001194.1, residues 156-176): RPRYSIGLEQ[Asp166Gly]ETYIPPGESL

ClinVar aggregate classification (germline): Uncertain significance. Review status: criteria provided, multiple submitters, no conflicts (2 of 4 stars). 2 submissions from 2 submitters: Uncertain significance (2). Last evaluated 2022-09-13.

Conditions:
Acromesomelic dysplasia 3 (AMD3). Also called: Acromesomelic dysplasia, Demirhan type; CHONDRODYSPLASIA, ACROMESOMELIC, WITH OR WITHOUT GENITAL ANOMALIES. Identifiers: MedGen C4225404, MONDO:0012274, OMIM 609441.
Type A2 brachydactyly (BDA2). Also called: MOHR-WRIEDT TYPE BRACHYDACTYLY; Brachymesophalangy type 2; BRACHYMESOPHALANGY II. Identifiers: Orphanet 93396, MedGen C1832702, MONDO:0007216, OMIM 112600, HP:0009372.
Brachydactyly. Also called: Brachydactyly syndrome; Brachydactyly (disease). Identifiers: MedGen C0221357, MONDO:0021004, HP:0001156.

Allele frequency attached by ClinVar (database versions not stated): TOPMed below 0.00001.
gnomAD v4.1: 14 of 1,613,780 alleles (0.00087%); highest among the groups gnomAD compares: Non-Finnish European, 0.0012%; no homozygotes.

Submissions (2):

Labcorp Genetics (formerly Invitae), Labcorp
Classification: Uncertain significance for Type A2 brachydactyly; Acromesomelic dysplasia 3. Last evaluated: 2022-09-13. Review status: criteria provided, single submitter. Criteria: Invitae Variant Classification Sherloc (09022015). Collection method: clinical testing. Allele origin: germline.
Comment: In summary, the available evidence is currently insufficient to determine the role of this variant in disease. Therefore, it has been classified as a Variant of Uncertain Significance. This sequence change replaces aspartic acid, which is acidic and polar, with glycine, which is neutral and non-polar, at codon 166 of the BMPR1B protein (p.Asp166Gly). This variant is not present in population databases (gnomAD no frequency). This variant has not been reported in the literature in individuals affected with BMPR1B-related conditions. ClinVar contains an entry for this variant (Variation ID: 1316061). Advanced modeling of protein sequence and biophysical properties (such as structural, functional, and spatial information, amino acid conservation, physicochemical variation, residue mobility, and thermodynamic stability) performed at Invitae indicates that this missense variant is not expected to disrupt BMPR1B protein function.

GeneDx
Classification: Uncertain significance. Last evaluated: 2020-01-30. Review status: criteria provided, single submitter. Criteria: GeneDx Variant Classification Process June 2021. Collection method: clinical testing. Allele origin: germline. Affected: yes.
Comment: Not observed in large population cohorts (Lek et al., 2016); In silico analysis, which includes protein predictors and evolutionary conservation, supports a deleterious effect; Has not been previously published as pathogenic or benign to our knowledge